The following is an entry in ClinVar:

NM_007294.4(BRCA1):c.4357+7A>G

Gene: BRCA1 (BRCA1 DNA repair associated; minus strand). Cytogenetic location: 17q21.31.
Variant type: single nucleotide variant.
Coding change: c.4357+7A>G on transcript NM_007294.4 (MANE Select); 7 bases into the intron after coding-DNA position 4357, A replaced by G.
Molecular consequence: intron variant.
Genome position (GRCh38, 1-based): chr17:43,082,397, T>C on the plus strand (A>G on the coding strand, the complement: BRCA1 is on the minus strand). VCF-style: chr17-43082397-T-C. GRCh37 (hg19) VCF-style: chr17-41234414-T-C.
Other names: IVS13+7A>G; c.4213+7A>G (NM_001407745.1, NM_001407746.1, NM_001407742.1 and 23 more transcripts); c.4093+7A>G (NM_001407922.1, NM_001407928.1, NM_001407925.1 and 7 more transcripts); c.904+7A>G (NM_001408469.1, NM_001408464.1, NM_001408467.1 and 5 more transcripts); c.907+7A>G (NM_001408453.1, NM_001408461.1, NM_001408459.1 and 8 more transcripts); c.4216+7A>G (NM_001407737.1, NM_001407728.1, NM_001407738.1 and 23 more transcripts); c.4147+7A>G (NM_001407886.1, NM_001407881.1, NM_001407906.1 and 9 more transcripts); c.4228+7A>G (NM_001407686.1, NM_001407691.1, NM_001407685.1 and 2 more transcripts); and 52 more.
Identifiers: ClinVar variation 96931 (VCV000096931.32), dbSNP rs431825407, ClinGen allele CA002795.

ClinVar aggregate classification (germline): Conflicting classifications of pathogenicity. Review status: criteria provided, conflicting classifications (1 of 4 stars). 7 submissions from 7 submitters: Uncertain significance (1); Benign (1); Likely benign (4). 1 of the submissions does not count toward it. Last evaluated 2025-12-08.

Conditions:
Hereditary cancer-predisposing syndrome. Also called: Hereditary Cancer Syndrome; Neoplastic Syndromes, Hereditary; Hereditary neoplastic syndrome; Tumor predisposition. Identifiers: Orphanet 140162, MedGen C0027672, MeSH D009386, MONDO:0015356.
Breast-ovarian cancer, familial, susceptibility to, 1 (BROVCA1). Also called: BRCA1 Hereditary Breast and Ovarian Cancer; OVARIAN CANCER, SUSCEPTIBILITY TO. Identifiers: Orphanet 145, MedGen C2676676, MONDO:0011450, OMIM 604370. Disease mechanism: loss of function.
Hereditary breast ovarian cancer syndrome. Also called: Hereditary breast and/or ovarian cancer syndrome; Hereditary breast and ovarian cancer syndrome; Hereditary breast and ovarian cancer; Hereditary breast and ovarian cancer syndrome (HBOC); Breast and ovarian cancer; BRCA1- and BRCA2-Associated Hereditary Breast and Ovarian Cancer. Identifiers: Orphanet 145, MedGen C0677776, MeSH D061325, MONDO:0003582. Disease mechanism: loss of function.
Fanconi anemia, complementation group S (FANCS). Identifiers: MedGen C4554406, MONDO:0054748, OMIM 617883.
Familial cancer of breast. Also called: hereditary breast carcinoma; Hereditary breast cancer; BREAST CANCER, FAMILIAL. Identifiers: Orphanet 227535, MedGen C0346153, MONDO:0016419, OMIM 114480. Disease mechanism: loss of function.
Breast and/or ovarian cancer. Identifiers: MedGen CN221562.

Allele frequency attached by ClinVar (database versions not stated): gnomAD exomes below 0.00001 and 0.00001; TOPMed below 0.00001; ExAC 0.00001.
gnomAD v4.1: 5 of 1,613,296 alleles (0.00031%); highest among the groups gnomAD compares: East Asian, 0.0067%; no homozygotes.

Submissions (7):

Labcorp Genetics (formerly Invitae), Labcorp
Classification: Likely benign for Hereditary breast ovarian cancer syndrome. Last evaluated: 2025-12-08. Review status: criteria provided, single submitter. Criteria: Invitae Variant Classification Sherloc (09022015). Collection method: clinical testing. Allele origin: germline.

Women's Health and Genetics/Laboratory Corporation of America, LabCorp
Classification: Likely benign. Last evaluated: 2025-04-16. Review status: criteria provided, single submitter. Criteria: LabCorp Variant Classification Summary - May 2015. Collection method: clinical testing. Allele origin: germline.
Comment: Variant summary: BRCA1 c.4357+7A>G alters a non-conserved nucleotide located at a position not widely known to affect splicing. Consensus agreement among computation tools predicts no significant impact on normal splicing. However, these predictions have yet to be confirmed by functional studies. The variant allele was found at a frequency of 3.1e-06 in 1606322 control chromosomes (gnomAD v4.1). The available data on variant occurrences in the general population are insufficient to allow any conclusion about variant significance. To our knowledge, no occurrence of c.4357+7A>G in individuals affected with Hereditary Breast And Ovarian Cancer Syndrome and no experimental evidence demonstrating its impact on protein function have been reported. ClinVar contains an entry for this variant (Variation ID: 96931). Based on the evidence outlined above, the variant was classified as likely benign.

Department of Pathology and Laboratory Medicine, Sinai Health System
Classification: Likely benign for Familial cancer of breast; Breast-ovarian cancer, familial, susceptibility to, 1; Fanconi anemia, complementation group S. Last evaluated: 2021-10-28. Review status: criteria provided, single submitter. Criteria: ACMG Guidelines, 2015. Collection method: clinical testing. Allele origin: germline. Affected: no.

CHEO Genetics Diagnostic Laboratory, Children's Hospital of Eastern Ontario
Classification: Uncertain significance for Breast and/or ovarian cancer. Last evaluated: 2019-10-22. Review status: criteria provided, single submitter. Criteria: ACMG Guidelines, 2015. Collection method: clinical testing. Allele origin: germline.

Color Diagnostics, LLC DBA Color Health
Classification: Likely benign for Hereditary cancer-predisposing syndrome. Last evaluated: 2016-04-07. Review status: criteria provided, single submitter. Criteria: ACMG Guidelines, 2015. Collection method: clinical testing. Allele origin: germline.

GeneDx
Classification: Benign. Last evaluated: 2015-07-17. Review status: criteria provided, single submitter. Criteria: GeneDx Variant Classification Process June 2021. Collection method: clinical testing. Allele origin: germline. Affected: yes.

Sharing Clinical Reports Project (SCRP)
Classification: Benign for Breast-ovarian cancer, familial 1. Last evaluated: 2012-05-01. Review status: no assertion criteria provided. Collection method: clinical testing. Allele origin: germline. Not counted in ClinVar's aggregate classification.